The following is an entry in ClinVar:

ClinVar aggregate classification (germline): Uncertain significance (1 of 4 stars; one submission).

Conditions:
Inborn genetic diseases. Identifiers: MedGen C0950123, MeSH D030342.

Submission:

Ambry Genetics
Classification: Uncertain significance for Inborn genetic diseases. Last evaluated: 2026-08-22. Review status: criteria provided, single submitter. Criteria: Ambry Variant Classification Scheme 2023. Collection method: clinical testing. Allele origin: germline.
Comment: The p.S131F variant (also known as c.392C>T), located in coding exon 6 of the ASXL1 gene, results from a C to T substitution at nucleotide position 392. The serine at codon 131 is replaced by phenylalanine, an amino acid with highly dissimilar properties. This amino acid position is conserved. In addition, this alteration is predicted to be tolerated by in silico analysis. Based on the available evidence, the clinical significance of this variant remains unclear.

NM_015338.6(ASXL1):c.392C>T (p.Ser131Phe)

Gene: ASXL1 (ASXL transcriptional regulator 1; plus strand). Cytogenetic location: 20q11.21.
Variant type: single nucleotide variant.
Coding change: c.392C>T on transcript NM_015338.6 (MANE Select); coding-DNA position 392, C replaced by T.
Protein change: p.Ser131Phe; replaces serine 131 with phenylalanine.
Molecular consequence: missense variant.
Genome position (GRCh38, 1-based): chr20:32,428,343, C>T. VCF-style: chr20-32428343-C-T. GRCh37 (hg19) VCF-style: chr20-31016146-C-T.
Other names: c.362C>T, p.Ser121Phe (NM_001363734.1); short protein forms S121F, S131F.
Identifiers: ClinVar variation 5030358 (VCV005030358.1).